The following is an entry in ClinVar:

ClinVar aggregate classification (germline): Likely benign. Review status: criteria provided, multiple submitters, no conflicts (2 of 4 stars). 2 submissions from 2 submitters: Likely benign (2). Last evaluated 2023-09-01.

Submissions (2):

CeGaT Center for Human Genetics Tuebingen
Classification: Likely benign. Last evaluated: 2023-09-01. Review status: criteria provided, single submitter. Criteria: CeGaT Center For Human Genetics Tuebingen Variant Classification Criteria Version 2. Collection method: clinical testing. Allele origin: germline. Affected: yes. Observed: 1 variant allele.
Comment: TTN: PM2:Supporting, BP4, BP7

Labcorp Genetics (formerly Invitae), Labcorp
Classification: Likely benign. Last evaluated: 2018-06-13. Review status: criteria provided, single submitter. Criteria: Invitae Variant Classification Sherloc (09022015). Collection method: clinical testing. Allele origin: germline.

NM_001267550.2(TTN):c.37743A>G (p.Lys12581=)

Gene: TTN (titin; minus strand). Cytogenetic location: 2q31.2.
Variant type: single nucleotide variant.
Coding change: c.37743A>G on transcript NM_001267550.2 (MANE Select); coding-DNA position 37743, A replaced by G.
Protein change: p.Lys12581=; no amino-acid change (lysine 12581 retained).
Molecular consequence: synonymous variant. On other transcripts: intron variant (5).
Genome position (GRCh38, 1-based): chr2:178,658,126, T>C on the plus strand (A>G on the coding strand, the complement: TTN is on the minus strand). VCF-style: chr2-178658126-T-C. GRCh37 (hg19) VCF-style: chr2-179522853-T-C.
Other names: c.13283-15809A>G (NM_003319.4); c.13859-15809A>G (NM_133437.4); c.13658-15809A>G (NM_133432.3); c.31741+879A>G (NM_133378.4); c.34522+879A>G (NM_001256850.1).
Identifiers: ClinVar variation 747900 (VCV000747900.28), dbSNP rs1577037643, ClinGen allele CA430112788.